The following is an entry in ClinVar:

ClinVar aggregate classification (germline): Pathogenic (1 of 4 stars; one submission).

Submission:

GeneDx
Classification: Pathogenic. Last evaluated: 2018-01-10. Review status: criteria provided, single submitter. Criteria: GeneDx Variant Classification (06012015). Collection method: clinical testing. Allele origin: germline. Affected: yes.
Comment: This deletion of one nucleotide in BRCA1 is denoted c.4885delG at the cDNA level and p.Glu1629LysfsX4 (E1629KfsX4) at the protein level. The normal sequence, with the base that is deleted in brackets, is AATG[delG]AAGA. The deletion causes a frameshift which changes a Glutamic Acid to a Lysine at codon 1629, and creates a premature stop codon at position 4 of the new reading frame. Although this variant has not, to our knowledge, been reported in the literature, it is predicted to cause loss of normal protein function through either protein truncation or nonsense-mediated mRNA decay. We consider this variant to be pathogenic.

NM_007294.4(BRCA1):c.4885del (p.Glu1629fs)

Gene: BRCA1 (BRCA1 DNA repair associated; minus strand). Cytogenetic location: 17q21.31.
Variant type: Deletion.
Coding change: c.4885del on transcript NM_007294.4 (MANE Select); coding-DNA position 4885, one base deleted (G; older notation c.4885delG).
Protein change: p.Glu1629fs; shifts the reading frame from glutamic acid 1629.
Molecular consequence: frameshift variant. On other transcripts: non-coding transcript variant (1).
Genome position (GRCh38, 1-based): chr17:43,071,029, C deleted on the plus strand (G on the coding strand, the reverse complement: BRCA1 is on the minus strand); the first of 2 consecutive C bases (chr17:43,071,029-43,071,030); deleting either gives the same sequence. VCF-style (leftmost placement, unchanged base first): chr17-43071028-TC-T. GRCh37 (hg19) VCF-style: chr17-41223045-TC-T.
Other names: c.4885delG (NM_007294.3); c.4677delG, p.Glu1560Lysfs (NM_001407875.1, NM_001407874.1); c.4674delG, p.Glu1559Lysfs (NM_001407879.1, NM_001407881.1, NM_001407882.1 and 5 more transcripts); c.4671delG, p.Glu1558Lysfs (NM_001407894.1, NM_001407895.1, NM_001407896.1 and 12 more transcripts); c.4668delG, p.Glu1557Lysfs (NM_001407915.1, NM_001407916.1, NM_001407917.1 and 1 more transcripts); c.4761delG, p.Glu1588Lysfs (NM_001407919.1, NM_001407937.1, NM_001407938.1 and 6 more transcripts); c.4620delG, p.Glu1541Lysfs (NM_001407920.1, NM_001407921.1, NM_001407922.1 and 4 more transcripts); c.4617delG, p.Glu1540Lysfs (NM_001407927.1, NM_001407928.1, NM_001407929.1 and 4 more transcripts); and 74 more; short protein forms E1582fs, E1629fs, E525fs, E1650fs.
Identifiers: ClinVar variation 545864 (VCV000545864.3), dbSNP rs886040254, ClinGen allele CA658825003.